The following is an entry in ClinVar:

ClinVar aggregate classification (germline): Uncertain significance (1 of 4 stars; one submission).

Conditions:
Dihydropteridine reductase deficiency (HPABH4C). Also called: BH4-Deficient Hyperphenylalaninemia C; HYPERPHENYLALANINEMIA, TETRAHYDROBIOPTERIN-DEFICIENT, DUE TO DHPR DEFICIENCY; QDPR DEFICIENCY; QUINOID DIHYDROPTERIDINE REDUCTASE DEFICIENCY; Phenylketonuria II; DHPR DEFICIENCY. Identifiers: Orphanet 226, Orphanet 238583, MedGen C0268465, MONDO:0009862, OMIM 261630.

Submission:

Labcorp Genetics (formerly Invitae), Labcorp
Classification: Uncertain significance for Dihydropteridine reductase deficiency. Last evaluated: 2024-10-22. Review status: criteria provided, single submitter. Criteria: Invitae Variant Classification Sherloc (09022015). Collection method: clinical testing. Allele origin: germline.
Comment: This sequence change replaces methionine, which is neutral and non-polar, with isoleucine, which is neutral and non-polar, at codon 189 of the QDPR protein (p.Met189Ile). This variant is present in population databases (rs766009685, gnomAD 0.003%). This variant has not been reported in the literature in individuals affected with QDPR-related conditions. An algorithm developed to predict the effect of missense changes on protein structure and function (PolyPhen-2) suggests that this variant is likely to be tolerated. In summary, the available evidence is currently insufficient to determine the role of this variant in disease. Therefore, it has been classified as a Variant of Uncertain Significance.

NM_000320.3(QDPR):c.567G>A (p.Met189Ile)

Gene: QDPR (quinoid dihydropteridine reductase; minus strand). Cytogenetic location: 4p15.32.
Variant type: single nucleotide variant.
Coding change: c.567G>A on transcript NM_000320.3 (MANE Select); coding-DNA position 567, G replaced by A.
Protein change: p.Met189Ile; replaces methionine 189 with isoleucine.
Molecular consequence: missense variant. On other transcripts: non-coding transcript variant (1).
Genome position (GRCh38, 1-based): chr4:17,490,724, C>T on the plus strand (G>A on the coding strand, the complement: QDPR is on the minus strand). VCF-style: chr4-17490724-C-T. GRCh37 (hg19) VCF-style: chr4-17492347-C-T.
Other names: c.474G>A, p.Met158Ile (NM_001306140.2); short protein forms M158I, M189I.
Identifiers: ClinVar variation 3625892 (VCV003625892.2).